The following is an entry in ClinVar:

ClinVar aggregate classification (germline): Uncertain significance (1 of 4 stars; one submission).

Allele frequency attached by ClinVar (database versions not stated): gnomAD 0.00001; gnomAD exomes 0.00001; TOPMed 0.00001.
gnomAD v4.1: 5 of 1,614,052 alleles (0.00031%); highest among the groups gnomAD compares: African/African-American, 0.004%; no homozygotes.

Submission:

Labcorp Genetics (formerly Invitae), Labcorp
Classification: Uncertain significance. Last evaluated: 2022-11-01. Review status: criteria provided, single submitter. Criteria: Invitae Variant Classification Sherloc (09022015). Collection method: clinical testing. Allele origin: germline.
Comment: This sequence change replaces isoleucine, which is neutral and non-polar, with threonine, which is neutral and polar, at codon 75 of the NEK2 protein (p.Ile75Thr). In summary, the available evidence is currently insufficient to determine the role of this variant in disease. Therefore, it has been classified as a Variant of Uncertain Significance. Algorithms developed to predict the effect of missense changes on protein structure and function are either unavailable or do not agree on the potential impact of this missense change (SIFT: "Deleterious"; PolyPhen-2: "Possibly Damaging"; Align-GVGD: "Class C0"). This variant has not been reported in the literature in individuals affected with NEK2-related conditions. This variant is not present in population databases (gnomAD no frequency).

NM_002497.4(NEK2):c.224T>C (p.Ile75Thr)

Gene: NEK2 (NIMA related kinase 2; minus strand). Cytogenetic location: 1q32.3.
Variant type: single nucleotide variant.
Coding change: c.224T>C on transcript NM_002497.4 (MANE Select); coding-DNA position 224, T replaced by C.
Protein change: p.Ile75Thr; replaces isoleucine 75 with threonine.
Molecular consequence: missense variant.
Genome position (GRCh38, 1-based): chr1:211,674,386, A>G on the plus strand (T>C on the coding strand, the complement: NEK2 is on the minus strand). VCF-style: chr1-211674386-A-G. GRCh37 (hg19) VCF-style: chr1-211847728-A-G.
Other names: c.224T>C, p.Ile75Thr (NM_001204182.2, NM_001204183.2); short protein forms I75T.
Identifiers: ClinVar variation 1924801 (VCV001924801.5), dbSNP rs985623901, ClinGen allele CA36825842.